The following is an entry in ClinVar:

ClinVar aggregate classification (germline): Uncertain significance (1 of 4 stars; one submission).

Submission:

Labcorp Genetics (formerly Invitae), Labcorp
Classification: Uncertain significance. Last evaluated: 2025-09-05. Review status: criteria provided, single submitter. Criteria: Invitae Variant Classification Sherloc (09022015). Collection method: clinical testing. Allele origin: germline.
Comment: This variant, c.4443_4475dup, results in the insertion of 11 amino acid(s) of the KMT2E protein (p.His1481_Pro1491dup), but otherwise preserves the integrity of the reading frame. This variant is present in population databases (rs745436953, gnomAD 0.02%). This variant has not been reported in the literature in individuals affected with KMT2E-related conditions. ClinVar contains an entry for this variant (Variation ID: 2880445). Experimental studies and prediction algorithms are not available or were not evaluated, and the functional significance of this variant is currently unknown. In summary, the available evidence is currently insufficient to determine the role of this variant in disease. Therefore, it has been classified as a Variant of Uncertain Significance.

NM_182931.3(KMT2E):c.4443_4475dup (p.Pro1491_Gln1492insHisHisSerGlnSerProGlnValGlyThrPro)

Gene: KMT2E (lysine methyltransferase 2E (inactive); plus strand). Cytogenetic location: 7q22.3.
Variant type: Duplication.
Coding change: c.4443_4475dup on transcript NM_182931.3 (MANE Select); coding-DNA positions 4443 to 4475, 33 bases duplicated.
Protein change: p.Pro1491_Gln1492insHisHisSerGlnSerProGlnValGlyThrPro.
Molecular consequence: inframe insertion.
Genome position (GRCh38, 1-based): chr7:105,112,199-105,112,231, 33 bases duplicated; duplicating any 33 consecutive bases within chr7:105,112,194-105,112,231 gives the same sequence; the c. name uses the placement nearest the transcript's 3' end. GRCh37 (hg19): chr7:104,752,646-104,752,678.
Other names: c.4317_4349dup, p.Pro1449_Gln1450insHisHisSerGlnSerProGlnValGlyThrPro (NM_001410908.1); c.4443_4475dup, p.Pro1491_Gln1492insHisHisSerGlnSerProGlnValGlyThrPro (NM_018682.4).
Identifiers: ClinVar variation 2880445 (VCV002880445.3), dbSNP rs745436953, ClinGen allele CA4424752.